The following is an entry in ClinVar:

ClinVar aggregate classification (germline): Uncertain significance (1 of 4 stars; one submission).

Submission:

Labcorp Genetics (formerly Invitae), Labcorp
Classification: Uncertain significance. Last evaluated: 2023-12-13. Review status: criteria provided, single submitter. Criteria: Invitae Variant Classification Sherloc (09022015). Collection method: clinical testing. Allele origin: germline.
Comment: This sequence change replaces proline, which is neutral and non-polar, with alanine, which is neutral and non-polar, at codon 11 of the PPP2R5D protein (p.Pro11Ala). This variant is not present in population databases (gnomAD no frequency). This variant has not been reported in the literature in individuals affected with PPP2R5D-related conditions. An algorithm developed to predict the effect of missense changes on protein structure and function (PolyPhen-2) suggests that this variant is likely to be tolerated. In summary, the available evidence is currently insufficient to determine the role of this variant in disease. Therefore, it has been classified as a Variant of Uncertain Significance.

NM_006245.4(PPP2R5D):c.31C>G (p.Pro11Ala)

Gene: PPP2R5D (protein phosphatase 2 regulatory subunit B'delta; plus strand). Cytogenetic location: 6p21.1.
Variant type: single nucleotide variant.
Coding change: c.31C>G on transcript NM_006245.4 (MANE Select); coding-DNA position 31, C replaced by G.
Protein change: p.Pro11Ala; replaces proline 11 with alanine.
Molecular consequence: missense variant. On other transcripts: 5 prime UTR variant (1), intron variant (1).
Genome position (GRCh38, 1-based): chr6:42,989,614, C>G. VCF-style: chr6-42989614-C-G. GRCh37 (hg19) VCF-style: chr6-42957352-C-G.
Other names: c.-440C>G (NM_001270476.2); c.31C>G, p.Pro11Ala (NM_180976.3); c.27+4910C>G (NM_180977.3); short protein forms P11A.
Identifiers: ClinVar variation 2702844 (VCV002702844.3), dbSNP rs1181904491, ClinGen allele CA364174586.